The following is an entry in ClinVar:

NM_001197104.2(KMT2A):c.8655del (p.Asp2887fs)

Gene: KMT2A (lysine methyltransferase 2A; plus strand). Cytogenetic location: 11q23.3.
Variant type: Deletion.
Coding change: c.8655del on transcript NM_001197104.2 (MANE Select); coding-DNA position 8655, one base deleted (T; older notation c.8655delT).
Protein change: p.Asp2887fs; shifts the reading frame from aspartic acid 2887.
Molecular consequence: frameshift variant.
Genome position (GRCh38, 1-based): chr11:118,504,547, T deleted. VCF-style (leftmost placement, unchanged base first): chr11-118504546-GT-G. GRCh37 (hg19) VCF-style: chr11-118375261-GT-G.
Other names: c.8745del, p.Asp2917fs (NM_001412597.1); c.8646del, p.Asp2884fs (NM_005933.4); short protein forms D2884fs, D2887fs, D2917fs.
Identifiers: ClinVar variation 3722103 (VCV003722103.2).

ClinVar aggregate classification (germline): Pathogenic (1 of 4 stars; one submission).

Submission:

Labcorp Genetics (formerly Invitae), Labcorp
Classification: Pathogenic. Last evaluated: 2024-10-03. Review status: criteria provided, single submitter. Criteria: Invitae Variant Classification Sherloc (09022015). Collection method: clinical testing. Allele origin: germline.
Comment: This sequence change creates a premature translational stop signal (p.Asp2887Thrfs*42) in the KMT2A gene. It is expected to result in an absent or disrupted protein product. Loss-of-function variants in KMT2A are known to be pathogenic (PMID: 22795537, 25810209, 29574747). This variant is not present in population databases (gnomAD no frequency). This variant has not been reported in the literature in individuals affected with KMT2A-related conditions. For these reasons, this variant has been classified as Pathogenic.

Literature cited by the submitters: PubMed 22795537; PubMed 25810209; PubMed 29574747.